The following is an entry in ClinVar:

ClinVar aggregate classification (germline): Benign (0 of 4 stars; one submission).

Conditions:
SLC25A24-related disorder. Also called: SLC25A24-related condition.

Allele frequency attached by ClinVar (database versions not stated): gnomAD exomes 0.00028; gnomAD 0.00059; ExAC 0.00106; 1000 Genomes Project 0.00280; 1000 Genomes Project 30x 0.00297.
gnomAD v4.1: 508 of 1,498,268 alleles (0.034%); highest among the groups gnomAD compares: East Asian, 1.1%; 149 homozygotes.

Submission:

PreventionGenetics, part of Exact Sciences
Classification: Benign for SLC25A24-related condition. Last evaluated: 2019-02-20. Review status: no assertion criteria provided. Collection method: clinical testing. Allele origin: germline.
Comment: This variant is classified as benign based on ACMG/AMP sequence variant interpretation guidelines (Richards et al. 2015 PMID: 25741868, with internal and published modifications).

NM_013386.5(SLC25A24):c.184-6576A>T

Gene: SLC25A24 (solute carrier family 25 member 24; minus strand). Cytogenetic location: 1p13.3.
Variant type: single nucleotide variant.
Coding change: c.184-6576A>T on transcript NM_013386.5 (MANE Select); 6576 bases into the intron before coding-DNA position 184, A replaced by T.
Molecular consequence: intron variant. On other transcripts: missense variant (1).
Genome position (GRCh38, 1-based): chr1:108,192,530, T>A on the plus strand (A>T on the coding strand, the complement: SLC25A24 is on the minus strand). VCF-style: chr1-108192530-T-A. GRCh37 (hg19) VCF-style: chr1-108735152-T-A.
Other names: c.92A>T, p.Asp31Val (NM_213651.3); short protein forms D31V.
Identifiers: ClinVar variation 3057627 (VCV003057627.2), dbSNP rs199601855, ClinGen allele CA979396.